The following is an entry in ClinVar:

ClinVar aggregate classification (germline): Conflicting classifications of pathogenicity. Review status: criteria provided, conflicting classifications (1 of 4 stars). 3 submissions from 3 submitters: Uncertain significance (2); Likely benign (1). Last evaluated 2025-12-26.

Conditions:
Fanconi anemia (FA). Also called: Fanconi's anemia. Identifiers: Orphanet 84, MedGen C0015625, MeSH D005199, MONDO:0019391.
Fanconi anemia complementation group P. Also called: SLX4-Related Fanconi Anemia. Identifiers: Orphanet 84, MedGen C3469542, MONDO:0013499, OMIM 613951.

Allele frequency attached by ClinVar (database versions not stated): TOPMed 0.00002; gnomAD exomes 0.00003; ExAC 0.00004.
gnomAD v4.1: 49 of 1,614,174 alleles (0.003%); highest among the groups gnomAD compares: Non-Finnish European, 0.0037%; no homozygotes.

Submissions (3):

Dasa
Classification: Likely benign. Last evaluated: 2025-12-26. Review status: criteria provided, single submitter. Criteria: DASA Assertion Criteria. Collection method: clinical testing. Allele origin: germline.
Comment: NM_032444.4(SLX4):c.4766G>A (p.Arg1589His) is a missense variant that results in the substitution of arginine with histidine. The variant context is inconsistent with a known disease-causing mechanism. Computational prediction algorithms are consistent with a benign effect. Therefore, based on the currently available evidence, this variant is classified as likely benign.

Labcorp Genetics (formerly Invitae), Labcorp
Classification: Uncertain significance for Fanconi anemia. Last evaluated: 2024-03-11. Review status: criteria provided, single submitter. Criteria: Invitae Variant Classification Sherloc (09022015). Collection method: clinical testing. Allele origin: germline.
Comment: This sequence change replaces arginine, which is basic and polar, with histidine, which is basic and polar, at codon 1589 of the SLX4 protein (p.Arg1589His). This variant is present in population databases (rs746314060, gnomAD 0.007%). This missense change has been observed in individual(s) with breast cancer (PMID: 29868112). ClinVar contains an entry for this variant (Variation ID: 968611). An algorithm developed to predict the effect of missense changes on protein structure and function (PolyPhen-2) suggests that this variant is likely to be disruptive. In summary, the available evidence is currently insufficient to determine the role of this variant in disease. Therefore, it has been classified as a Variant of Uncertain Significance.

Fulgent Genetics
Classification: Uncertain significance for Fanconi anemia complementation group P. Last evaluated: 2021-09-30. Review status: criteria provided, single submitter. Criteria: ACMG Guidelines, 2015. Collection method: clinical testing. Allele origin: unknown.

Literature cited by the submitters: PubMed 29868112 (cited by Labcorp Genetics (formerly Invitae), Labcorp).

NM_032444.4(SLX4):c.4766G>A (p.Arg1589His)

Gene: SLX4 (SLX4 structure-specific endonuclease subunit; minus strand). Cytogenetic location: 16p13.3.
Variant type: single nucleotide variant.
Coding change: c.4766G>A on transcript NM_032444.4 (MANE Select); coding-DNA position 4766, G replaced by A.
Protein change: p.Arg1589His; replaces arginine 1589 with histidine.
Molecular consequence: missense variant.
Genome position (GRCh38, 1-based): chr16:3,583,484, C>T on the plus strand (G>A on the coding strand, the complement: SLX4 is on the minus strand). VCF-style: chr16-3583484-C-T. GRCh37 (hg19) VCF-style: chr16-3633485-C-T.
Other names: short protein forms R1589H.
Identifiers: ClinVar variation 968611 (VCV000968611.9), dbSNP rs746314060, ClinGen allele CA7865510.
Genomic context (GRCh38, chr16:3,583,484, plus strand): 5'-TCTGAGTCCAGGGTCTGGTGAGTGTACTGGAATATCTCCTTCAGCTTCAGAACCATCTGG[C>T]GTTTAGGCAGAGGGCGGACTCCAAACCTGACGGAGGAACAGGTGGATCTCAGGACCCACC-3'
Protein context (NP_115820.2, residues 1579-1599): DRFGVRPLPK[Arg1589His]QMVLKLKEIF